The following is an entry in ClinVar:

ClinVar aggregate classification (germline): Uncertain significance (1 of 4 stars; one submission).

Conditions:
SEMA7A-related disorder. Also called: SEMA7A-related condition.

gnomAD v4.1: 1 of 1,614,170 alleles (0.000062%); highest among the groups gnomAD compares: Non-Finnish European, 0.000085%; no homozygotes.

Submission:

PreventionGenetics, part of Exact Sciences
Classification: Uncertain significance for SEMA7A-related condition. Last evaluated: 2026-05-15. Review status: criteria provided, single submitter. Criteria: ACMG Guidelines, 2015. Collection method: clinical testing. Allele origin: germline.
Comment: The SEMA7A c.1849G>A variant is predicted to result in the amino acid substitution p.Glu617Lys. To our knowledge, this variant has not been reported in the literature or in a large population database (gnomAD), indicating this variant is rare. At this time, the clinical significance of this variant is uncertain due to the absence of conclusive functional and genetic evidence.

NM_003612.5(SEMA7A):c.1849G>A (p.Glu617Lys)

Gene: SEMA7A (semaphorin 7A (JohnMiltonHagen blood group); minus strand). Cytogenetic location: 15q24.1.
Variant type: single nucleotide variant.
Coding change: c.1849G>A on transcript NM_003612.5 (MANE Select); coding-DNA position 1849, G replaced by A.
Protein change: p.Glu617Lys; replaces glutamic acid 617 with lysine.
Molecular consequence: missense variant.
Genome position (GRCh38, 1-based): chr15:74,410,776, C>T on the plus strand (G>A on the coding strand, the complement: SEMA7A is on the minus strand). VCF-style: chr15-74410776-C-T. GRCh37 (hg19) VCF-style: chr15-74703117-C-T.
Other names: c.1807G>A, p.Glu603Lys (NM_001146029.3); c.1354G>A, p.Glu452Lys (NM_001146030.3); short protein forms E603K, E452K, E617K.
Identifiers: ClinVar variation 4995688 (VCV004995688.1).